The following is an entry in ClinVar:

NM_000051.4(ATM):c.8435C>A (p.Ser2812Tyr)

Genes: C11orf65 (chromosome 11 open reading frame 65; minus strand), ATM (ATM serine/threonine kinase; plus strand). Cytogenetic location: 11q22.3.
Variant type: single nucleotide variant.
Coding change: c.8435C>A on transcript NM_000051.4 (MANE Select); coding-DNA position 8435, C replaced by A.
Protein change: p.Ser2812Tyr; replaces serine 2812 with tyrosine.
Molecular consequence: missense variant. On other transcripts: intron variant (2).
Genome position (GRCh38, 1-based): chr11:108,345,759, C>A. VCF-style: chr11-108345759-C-A. GRCh37 (hg19) VCF-style: chr11-108216486-C-A.
Other names: c.8435C>A, p.Ser2812Tyr (NM_001351834.2); c.641-36688G>T (NM_001330368.2); c.695-10467G>T (NM_001351110.2); short protein forms S2812Y.
Identifiers: ClinVar variation 806733 (VCV000806733.19), dbSNP rs1565563280, ClinGen allele CA382517787.

ClinVar aggregate classification (germline): Uncertain significance. Review status: criteria provided, multiple submitters, no conflicts (2 of 4 stars). 3 submissions from 3 submitters: Uncertain significance (3). Last evaluated 2023-07-25.

Conditions:
Hereditary cancer-predisposing syndrome. Also called: Tumor predisposition; Neoplastic Syndromes, Hereditary; Hereditary Cancer Syndrome; Hereditary neoplastic syndrome. Identifiers: Orphanet 140162, MedGen C0027672, MeSH D009386, MONDO:0015356.
Ataxia-telangiectasia syndrome (AT). Also called: ATAXIA-TELANGIECTASIA, COMPLEMENTATION GROUP A; ATAXIA-TELANGIECTASIA, FRESNO VARIANT; Ataxia-telangiectasia; Ataxia-telangiectasia, complementation group D; AT, COMPLEMENTATION GROUP C; Ataxia-telangiectasia, complementation group E. Identifiers: Orphanet 100, MedGen C0004135, MONDO:0008840, OMIM 208900.

Allele frequency attached by ClinVar (database versions not stated): TOPMed below 0.00001.

Submissions (3):

Labcorp Genetics (formerly Invitae), Labcorp
Classification: Uncertain significance for Ataxia-telangiectasia syndrome. Last evaluated: 2023-07-25. Review status: criteria provided, single submitter. Criteria: Invitae Variant Classification Sherloc (09022015). Collection method: clinical testing. Allele origin: germline.
Comment: This sequence change replaces serine, which is neutral and polar, with tyrosine, which is neutral and polar, at codon 2812 of the ATM protein (p.Ser2812Tyr). This variant is not present in population databases (gnomAD no frequency). This variant has not been reported in the literature in individuals affected with ATM-related conditions. ClinVar contains an entry for this variant (Variation ID: 806733). An algorithm developed to predict the effect of missense changes on protein structure and function (PolyPhen-2) suggests that this variant is likely to be disruptive. In summary, the available evidence is currently insufficient to determine the role of this variant in disease. Therefore, it has been classified as a Variant of Uncertain Significance.

Color Diagnostics, LLC DBA Color Health
Classification: Uncertain significance for Hereditary cancer-predisposing syndrome. Last evaluated: 2023-03-28. Review status: criteria provided, single submitter. Criteria: ACMG Guidelines, 2015. Collection method: clinical testing. Allele origin: germline.
Comment: This missense variant replaces serine with tyrosine at codon 2812 of the ATM protein. Computational prediction suggests that this variant may not impact protein structure and function (internally defined REVEL score threshold <= 0.5, PMID: 27666373). To our knowledge, functional studies have not been reported for this variant. This variant has not been reported in individuals affected with ATM-related disorders in the literature. This variant has not been identified in the general population by the Genome Aggregation Database (gnomAD). The available evidence is insufficient to determine the role of this variant in disease conclusively. Therefore, this variant is classified as a Variant of Uncertain Significance.

Ambry Genetics
Classification: Uncertain significance for Hereditary cancer-predisposing syndrome. Last evaluated: 2018-04-19. Review status: criteria provided, single submitter. Criteria: Ambry Variant Classification Scheme 2023. Collection method: clinical testing. Allele origin: germline.
Comment: The p.S2812Y variant (also known as c.8435C>A), located in coding exon 57 of the ATM gene, results from a C to A substitution at nucleotide position 8435. The serine at codon 2812 is replaced by tyrosine, an amino acid with dissimilar properties. This amino acid position is well conserved in available vertebrate species. In addition, this alteration is predicted to be tolerated by in silico analysis. Since supporting evidence is limited at this time, the clinical significance of this alteration remains unclear.